The following is an entry in ClinVar:

NM_001267550.2(TTN):c.68768del (p.Gly22923fs)

Genes: TTN (titin; minus strand), TTN-AS1 (TTN antisense RNA 1; plus strand). Cytogenetic location: 2q31.2.
Variant type: Deletion.
Coding change: c.68768del on transcript NM_001267550.2 (MANE Select); coding-DNA position 68768, one base deleted (G; older notation c.68768delG).
Protein change: p.Gly22923fs; shifts the reading frame from glycine 22923.
Molecular consequence: frameshift variant.
Genome position (GRCh38, 1-based): chr2:178,577,658, C deleted on the plus strand (G on the coding strand, the reverse complement: TTN is on the minus strand); the first of 2 consecutive C bases (chr2:178,577,658-178,577,659); deleting either gives the same sequence. VCF-style (leftmost placement, unchanged base first): chr2-178577657-AC-A. GRCh37 (hg19) VCF-style: chr2-179442384-AC-A.
Other names: c.63845del, p.Gly21282fs (NM_001256850.1); c.41573del, p.Gly13858fs (NM_003319.4); c.61064del, p.Gly20355fs (NM_133378.4); c.41948del, p.Gly13983fs (NM_133432.3); c.42149del, p.Gly14050fs (NM_133437.4); short protein forms G13858fs, G20355fs, G22923fs, G14050fs, G13983fs, G21282fs.
Identifiers: ClinVar variation 2948976 (VCV002948976.3), dbSNP rs2468793599, ClinGen allele CA2740096040.

ClinVar aggregate classification (germline): Likely pathogenic (1 of 4 stars; one submission).

Conditions:
Dilated cardiomyopathy 1G (CMD1G). Identifiers: Orphanet 154, MedGen C1858763, MONDO:0011400, OMIM 604145.
Autosomal recessive limb-girdle muscular dystrophy type 2J (LGMDR10). Also called: Limb-girdle muscular dystrophy, type 2J; MUSCULAR DYSTROPHY, LIMB-GIRDLE, AUTOSOMAL RECESSIVE 10. Identifiers: Orphanet 140922, MedGen C1837342, MONDO:0012127, OMIM 608807.

Submission:

Labcorp Genetics (formerly Invitae), Labcorp
Classification: Likely pathogenic for Dilated cardiomyopathy 1G; Autosomal recessive limb-girdle muscular dystrophy type 2J. Last evaluated: 2023-06-17. Review status: criteria provided, single submitter. Criteria: Invitae Variant Classification Sherloc (09022015). Collection method: clinical testing. Allele origin: germline.
Comment: This sequence change creates a premature translational stop signal (p.Gly22923Valfs*30) in the TTN gene. While this is not anticipated to result in nonsense mediated decay, it is expected to create a truncated TTN protein. This variant is not present in population databases (gnomAD no frequency). This variant has not been reported in the literature in individuals affected with TTN-related conditions. This variant is located in the A band of TTN (PMID: 25589632). Truncating variants in this region are significantly overrepresented in patients affected with dilated cardiomyopathy (PMID: 25589632). Truncating variants in this region have also been reported in individuals affected with autosomal recessive centronuclear myopathy (PMID: 23975875). In summary, the currently available evidence indicates that the variant is pathogenic, but additional data are needed to prove that conclusively. Therefore, this variant has been classified as Likely Pathogenic.

Literature cited by the submitters: PubMed 25589632; PubMed 23975875.